The following is an entry in ClinVar:

NM_000270.4(PNP):c.87A>G (p.Ile29Met)

Gene: PNP (purine nucleoside phosphorylase; plus strand). Cytogenetic location: 14q11.2.
Variant type: single nucleotide variant.
Coding change: c.87A>G on transcript NM_000270.4 (MANE Select); coding-DNA position 87, A replaced by G.
Protein change: p.Ile29Met; replaces isoleucine 29 with methionine.
Molecular consequence: missense variant.
Genome position (GRCh38, 1-based): chr14:20,472,383, A>G. VCF-style: chr14-20472383-A-G. GRCh37 (hg19) VCF-style: chr14-20940542-A-G.
Other names: short protein forms I29M.
Identifiers: ClinVar variation 1926676 (VCV001926676.5), dbSNP rs1272662167, ClinGen allele CA389144378.

ClinVar aggregate classification (germline): Uncertain significance (1 of 4 stars; one submission).

Conditions:
Purine-nucleoside phosphorylase deficiency. Also called: Immunodeficiency due to purine nucleoside phosphorylase deficiency; NUCLEOSIDE PHOSPHORYLASE DEFICIENCY. Identifiers: Orphanet 760, MedGen C0268125, MONDO:0013171, OMIM 613179.

Allele frequency attached by ClinVar (database versions not stated): gnomAD exomes below 0.00001; TOPMed below 0.00001; gnomAD 0.00001.
gnomAD v4.1: 5 of 1,613,850 alleles (0.00031%); highest among the groups gnomAD compares: Non-Finnish European, 0.00042%; no homozygotes.

Submission:

Labcorp Genetics (formerly Invitae), Labcorp
Classification: Uncertain significance for Purine-nucleoside phosphorylase deficiency. Last evaluated: 2025-12-08. Review status: criteria provided, single submitter. Criteria: Invitae Variant Classification Sherloc (09022015). Collection method: clinical testing. Allele origin: germline.
Comment: This sequence change replaces isoleucine, which is neutral and non-polar, with methionine, which is neutral and non-polar, at codon 29 of the PNP protein (p.Ile29Met). This variant is not present in population databases (gnomAD no frequency). This variant has not been reported in the literature in individuals affected with PNP-related conditions. ClinVar contains an entry for this variant (Variation ID: 1926676). Invitae Evidence Modeling of protein sequence and biophysical properties (such as structural, functional, and spatial information, amino acid conservation, physicochemical variation, residue mobility, and thermodynamic stability) indicates that this missense variant is not expected to disrupt PNP protein function with a negative predictive value of 80%. In summary, the available evidence is currently insufficient to determine the role of this variant in disease. Therefore, it has been classified as a Variant of Uncertain Significance.